The following is an entry in ClinVar:

NM_005802.5(TOPORS):c.223T>C (p.Phe75Leu)

Gene: TOPORS (TOP1 binding arginine/serine rich protein, E3 ubiquitin ligase; minus strand). Cytogenetic location: 9p21.1.
Variant type: single nucleotide variant.
Coding change: c.223T>C on transcript NM_005802.5 (MANE Select); coding-DNA position 223, T replaced by C.
Protein change: p.Phe75Leu; replaces phenylalanine 75 with leucine.
Molecular consequence: missense variant.
Genome position (GRCh38, 1-based): chr9:32,544,302, A>G on the plus strand (T>C on the coding strand, the complement: TOPORS is on the minus strand). VCF-style: chr9-32544302-A-G. GRCh37 (hg19) VCF-style: chr9-32544300-A-G.
Other names: c.28T>C, p.Phe10Leu (NM_001195622.2); short protein forms F10L, F75L.
Identifiers: ClinVar variation 931667 (VCV000931667.5), dbSNP rs1821114318, ClinGen allele CA373173139.

ClinVar aggregate classification (germline): Uncertain significance. Review status: criteria provided, multiple submitters, no conflicts (2 of 4 stars). 2 submissions from 2 submitters: Uncertain significance (2). Last evaluated 2024-09-04.

Conditions:
Retinitis pigmentosa 31 (RP31). Identifiers: Orphanet 791, MedGen C1835923, MONDO:0012367, OMIM 609923.

Allele frequency attached by ClinVar (database versions not stated): gnomAD 0.00001.
gnomAD v4.1: 1 of 1,601,528 alleles (0.000062%); highest among the groups gnomAD compares: Non-Finnish European, 0.000085%; no homozygotes.

Submissions (2):

Labcorp Genetics (formerly Invitae), Labcorp
Classification: Uncertain significance. Last evaluated: 2024-09-04. Review status: criteria provided, single submitter. Criteria: Invitae Variant Classification Sherloc (09022015). Collection method: clinical testing. Allele origin: germline.
Comment: This sequence change replaces phenylalanine, which is neutral and non-polar, with leucine, which is neutral and non-polar, at codon 75 of the TOPORS protein (p.Phe75Leu). This variant is not present in population databases (gnomAD no frequency). This variant has not been reported in the literature in individuals affected with TOPORS-related conditions. ClinVar contains an entry for this variant (Variation ID: 931667). An algorithm developed to predict the effect of missense changes on protein structure and function (PolyPhen-2) suggests that this variant is likely to be tolerated. In summary, the available evidence is currently insufficient to determine the role of this variant in disease. Therefore, it has been classified as a Variant of Uncertain Significance.

Centre for Mendelian Genomics, University Medical Centre Ljubljana
Classification: Uncertain significance for Retinitis pigmentosa 31. Last evaluated: 2019-09-05. Review status: criteria provided, single submitter. Criteria: ACMG Guidelines, 2015. Collection method: clinical testing. Allele origin: unknown. Affected: yes.
Comment: This variant was classified as: Uncertain significance. The available evidence on this variant's pathogenicity is insufficient or conflicting. The following ACMG criteria were applied in classifying this variant: PM2,BP1.